The following is an entry in ClinVar:

NC_000023.10:g.(?_135067662)_(135126883_?)dup

Gene: SLC9A6 (solute carrier family 9 member A6; plus strand). Cytogenetic location: Xq26.3.
Variant type: Duplication.
Identifiers: ClinVar variation 3245230 (VCV003245230.1).

ClinVar aggregate classification (germline): Uncertain significance (1 of 4 stars; one submission).

Conditions:
Christianson syndrome (MRXSCH). Also called: X-linked mental retardation, syndromic, Christianson type; SLC9A6-Related Syndromic Mental Retardation; INTELLECTUAL DEVELOPMENTAL DISORDER, X-LINKED, SYNDROMIC, CHRISTIANSON TYPE. Identifiers: Orphanet 85278, MedGen C2678194, MONDO:0010278, OMIM 300243.

Submission:

Labcorp Genetics (formerly Invitae), Labcorp
Classification: Uncertain significance for Christianson syndrome. Last evaluated: 2024-01-22. Review status: criteria provided, single submitter. Criteria: Invitae Variant Classification Sherloc (09022015). Collection method: clinical testing. Allele origin: unknown.
Comment: A copy number gain of the genomic region encompassing the full coding sequence of the SLC9A6 gene has been identified. The boundaries of this event are unknown as they extend beyond the assayed region for this gene and therefore may encompass additional genes. As the precise location of this event is unknown, it may be in tandem or it may be located elsewhere in the genome. This variant has not been reported in the literature in individuals affected with SLC9A6-related conditions. In summary, the available evidence is currently insufficient to determine the role of this variant in disease. Therefore, it has been classified as a Variant of Uncertain Significance.